The following is an entry in ClinVar:

NM_001034853.2(RPGR):c.2863T>G (p.Trp955Gly)

Gene: RPGR (retinitis pigmentosa GTPase regulator; minus strand). Cytogenetic location: Xp11.4.
Variant type: single nucleotide variant.
Coding change: c.2863T>G on transcript NM_001034853.2 (MANE Select); coding-DNA position 2863, T replaced by G.
Protein change: p.Trp955Gly; replaces tryptophan 955 with glycine.
Molecular consequence: missense variant. On other transcripts: intron variant (8).
Genome position (GRCh38, 1-based): chrX:38,286,136, A>C on the plus strand (T>G on the coding strand, the complement: RPGR is on the minus strand). VCF-style: chrX-38286136-A-C. GRCh37 (hg19) VCF-style: chrX-38145389-A-C.
Other names: c.1569+4823T>G (NM_001367249.1, NM_001367250.1); c.1902+958T>G (NM_001367245.1); c.1386+4823T>G (NM_001367251.1); c.1719+958T>G (NM_001367246.1); c.1572+4823T>G (NM_001367247.1); c.1905+958T>G (NM_000328.3); c.1602+4823T>G (NM_001367248.1); short protein forms W955G.
Identifiers: ClinVar variation 1227254 (VCV001227254.12), dbSNP rs765224300, ClinGen allele CA10385242.
Genomic context (GRCh38, chrX:38,286,136, plus strand): 5'-CCCCTTCCCCTTCTCCTTCCTCTTCCCCCTCCCCTTCTCCTTCCTCCTCTTCCCCCTCCC[A>C]TTCTCCTTCCTCCTCTTCCCCCTCCCCTTCTCCATCCTCCCCTTCCCCTTCTCCTTCCTC-3'
Protein context (NP_001030025.1, residues 945-965): EGEGEEEEGE[Trp955Gly]EGEEEEGEGE

ClinVar aggregate classification (germline): Conflicting classifications of pathogenicity. Review status: criteria provided, conflicting classifications (1 of 4 stars). 5 submissions from 5 submitters: Uncertain significance (1); Benign (3); Likely benign (1). Last evaluated 2024-11-25.

Conditions:
Primary ciliary dyskinesia. Also called: Ciliary dyskinesia. Identifiers: Orphanet 244, MedGen C0008780, MONDO:0016575, HP:0012265.

Allele frequency attached by ClinVar (database versions not stated): ExAC 0.00473; gnomAD exomes 0.19700; gnomAD 0.29559.

Submissions (5):

Blueprint Genetics
Classification: Likely benign. Last evaluated: 2024-11-25. Review status: criteria provided, single submitter. Criteria: ACMG Guidelines, 2015. Collection method: clinical testing. Allele origin: germline.

Labcorp Genetics (formerly Invitae), Labcorp
Classification: Uncertain significance for Primary ciliary dyskinesia. Last evaluated: 2024-03-15. Review status: criteria provided, single submitter. Criteria: Invitae Variant Classification Sherloc (09022015). Collection method: clinical testing. Allele origin: germline.
Comment: This sequence change replaces tryptophan, which is neutral and slightly polar, with glycine, which is neutral and non-polar, at codon 955 of the RPGR (ORF15) protein (p.Trp955Gly). The frequency data for this variant in the population databases is considered unreliable, as metrics indicate poor data quality at this position in the gnomAD database. This variant has not been reported in the literature in individuals affected with RPGR (ORF15)-related conditions. ClinVar contains an entry for this variant (Variation ID: 1227254). Advanced modeling of protein sequence and biophysical properties (such as structural, functional, and spatial information, amino acid conservation, physicochemical variation, residue mobility, and thermodynamic stability) performed at Invitae indicates that this missense variant is not expected to disrupt RPGR (ORF15) protein function with a negative predictive value of 95%. In summary, the available evidence is currently insufficient to determine the role of this variant in disease. Therefore, it has been classified as a Variant of Uncertain Significance.

GeneDx
Classification: Benign. Last evaluated: 2019-09-12. Review status: criteria provided, single submitter. Criteria: GeneDx Variant Classification Process June 2021. Collection method: clinical testing. Allele origin: germline. Affected: yes.

PreventionGenetics, part of Exact Sciences
Classification: Benign. Last evaluated: 2018-08-21. Review status: criteria provided, single submitter. Criteria: ACMG Guidelines, 2015. Collection method: clinical testing. Allele origin: germline.

Breakthrough Genomics
Classification: Benign. Review status: criteria provided, single submitter. Criteria: ACMG Guidelines, 2015. Collection method: not provided. Allele origin: germline. Inheritance: X-linked inheritance. Affected: yes.